The following is an entry in ClinVar:

ClinVar aggregate classification (germline): Uncertain significance. Review status: criteria provided, multiple submitters, no conflicts (2 of 4 stars). 5 submissions from 4 submitters: Uncertain significance (4). 1 of the submissions does not count toward it. Last evaluated 2023-11-04.

Conditions:
Retinitis pigmentosa 39 (RP39). Identifiers: Orphanet 791, MedGen C3151138, MONDO:0013436, OMIM 613809.
Usher syndrome type 2A. Also called: RETINAL DISEASE IN USHER SYNDROME TYPE IIA, MODIFIER OF; USHER SYNDROME, TYPE IIA. Identifiers: Orphanet 231178, Orphanet 886, MedGen C1848634, MONDO:0010169, OMIM 276901.

Allele frequency attached by ClinVar (database versions not stated): ExAC 0.00001; gnomAD exomes 0.00001.

Submissions (5):

Genome-Nilou Lab
Classification: Uncertain significance for Retinitis pigmentosa 39. Last evaluated: 2023-11-04. Review status: criteria provided, single submitter. Criteria: ACMG Guidelines, 2015. Collection method: clinical testing. Allele origin: germline. Affected: no.

Genome-Nilou Lab
Classification: Uncertain significance for Usher syndrome type 2A. Last evaluated: 2023-11-04. Review status: criteria provided, single submitter. Criteria: ACMG Guidelines, 2015. Collection method: clinical testing. Allele origin: germline. Affected: no.

Labcorp Genetics (formerly Invitae), Labcorp
Classification: Uncertain significance. Last evaluated: 2022-08-23. Review status: criteria provided, single submitter. Criteria: Invitae Variant Classification Sherloc (09022015). Collection method: clinical testing. Allele origin: germline.
Comment: This sequence change replaces glycine, which is neutral and non-polar, with arginine, which is basic and polar, at codon 2798 of the USH2A protein (p.Gly2798Arg). This variant is present in population databases (rs397518037, gnomAD 0.003%). This variant has not been reported in the literature in individuals affected with USH2A-related conditions. ClinVar contains an entry for this variant (Variation ID: 48600). Algorithms developed to predict the effect of missense changes on protein structure and function output the following: SIFT: "Deleterious"; PolyPhen-2: "Benign"; Align-GVGD: "Class C65". The arginine amino acid residue is found in multiple mammalian species, which suggests that this missense change does not adversely affect protein function. Algorithms developed to predict the effect of sequence changes on RNA splicing suggest that this variant may create or strengthen a splice site. In summary, the available evidence is currently insufficient to determine the role of this variant in disease. Therefore, it has been classified as a Variant of Uncertain Significance.

Laboratory for Molecular Medicine, Mass General Brigham Personalized Medicine
Classification: Uncertain significance. Last evaluated: 2016-09-15. Review status: criteria provided, single submitter. Criteria: LMM Criteria. Collection method: clinical testing. Allele origin: germline. Observed: 2 variant alleles.
Comment: The p.Gly2798Arg variant in USH2A has not been reported in any individuals with hearing loss or Usher syndrome in any other families. This variant has been iden tified in 1/66738 chromosomes by the Exome Aggregation Consortium (ExAC; dbSNP rs397518037); however, its frequency is not high enough to rule out a pathogenic role. The Glycine (Gly) at position 2798 is not highly conserved in mammals and evolutionary distant species, and several specie s including 2 mammals (prairie vole and black flying fox) carry a arginine (Arg) , raising the possibility that the change at this position may be tolerated. Add itional computational prediction tools suggest that this variant may impact the protein, though this information is not predictive enough to determine pathogeni city. In summary, the clinical significance of the p.Gly2798Arg variant is uncer tain.

Natera, Inc.
Classification: Uncertain significance for Usher syndrome type 2A. Last evaluated: 2019-11-11. Review status: no assertion criteria provided. Collection method: clinical testing. Allele origin: germline. Not counted in ClinVar's aggregate classification.

NM_206933.4(USH2A):c.8392G>A (p.Gly2798Arg)

Gene: USH2A (usherin; minus strand). Cytogenetic location: 1q41.
Variant type: single nucleotide variant.
Coding change: c.8392G>A on transcript NM_206933.4 (MANE Select); coding-DNA position 8392, G replaced by A.
Protein change: p.Gly2798Arg; replaces glycine 2798 with arginine.
Molecular consequence: missense variant.
Genome position (GRCh38, 1-based): chr1:215,878,930, C>T on the plus strand (G>A on the coding strand, the complement: USH2A is on the minus strand). VCF-style: chr1-215878930-C-T. GRCh37 (hg19) VCF-style: chr1-216052272-C-T.
Other names: short protein forms G2798R.
Identifiers: ClinVar variation 48600 (VCV000048600.12), dbSNP rs397518037, ClinGen allele CA143627.